The following is an entry in ClinVar:

NM_017617.5(NOTCH1):c.5903C>T (p.Ala1968Val)

Gene: NOTCH1 (notch receptor 1; minus strand). Cytogenetic location: 9q34.3.
Variant type: single nucleotide variant.
Coding change: c.5903C>T on transcript NM_017617.5 (MANE Select); coding-DNA position 5903, C replaced by T.
Protein change: p.Ala1968Val; replaces alanine 1968 with valine.
Molecular consequence: missense variant.
Genome position (GRCh38, 1-based): chr9:136,500,583, G>A on the plus strand (C>T on the coding strand, the complement: NOTCH1 is on the minus strand). VCF-style: chr9-136500583-G-A. GRCh37 (hg19) VCF-style: chr9-139395035-G-A.
Other names: short protein forms A1968V.
Identifiers: ClinVar variation 2452176 (VCV002452176.2), dbSNP rs2133325549, ClinGen allele CA375636419.

ClinVar aggregate classification (germline): Uncertain significance (1 of 4 stars; one submission).

Conditions:
Familial thoracic aortic aneurysm and aortic dissection (TAAD). Also called: Thoracic aortic aneurysms and dissections. Identifiers: Orphanet 91387, MedGen C4707243, MONDO:0019625.

Submission:

Ambry Genetics
Classification: Uncertain significance for Familial thoracic aortic aneurysm and aortic dissection. Last evaluated: 2022-12-01. Review status: criteria provided, single submitter. Criteria: Ambry Variant Classification Scheme 2023. Collection method: clinical testing. Allele origin: germline.
Comment: The p.A1968V variant (also known as c.5903C>T), located in coding exon 31 of the NOTCH1 gene, results from a C to T substitution at nucleotide position 5903. The alanine at codon 1968 is replaced by valine, an amino acid with similar properties. This amino acid position is conserved. In addition, this alteration is predicted to be deleterious by in silico analysis. Since supporting evidence is limited at this time, the clinical significance of this alteration remains unclear.